The following is an entry in ClinVar:

NM_001481.3(DRC4):c.1409C>T (p.Pro470Leu)

Gene: DRC4 (dynein regulatory complex subunit 4; plus strand). Cytogenetic location: 16q24.3.
Variant type: single nucleotide variant.
Coding change: c.1409C>T on transcript NM_001481.3 (MANE Select); coding-DNA position 1409, C replaced by T.
Protein change: p.Pro470Leu; replaces proline 470 with leucine.
Molecular consequence: missense variant. On other transcripts: non-coding transcript variant (1).
Genome position (GRCh38, 1-based): chr16:90,043,317, C>T. VCF-style: chr16-90043317-C-T. GRCh37 (hg19) VCF-style: chr16-90109725-C-T.
Other names: c.1160C>T, p.Pro387Leu (NM_001286205.2); c.833C>T, p.Pro278Leu (NM_001286208.2); c.1334C>T, p.Pro445Leu (NM_001286209.2); short protein forms P278L, P387L, P445L, P470L.
Identifiers: ClinVar variation 1715268 (VCV001715268.3), dbSNP rs2543519421, ClinGen allele CA397473205.

ClinVar aggregate classification (germline): Uncertain significance (1 of 4 stars; one submission).

Conditions:
Primary ciliary dyskinesia 33. Also called: CILIARY DYSKINESIA, PRIMARY, 33, WITHOUT SITUS INVERSUS. Identifiers: Orphanet 244, MedGen C4225230, MONDO:0014750, OMIM 616726.

Submission:

Labcorp Genetics (formerly Invitae), Labcorp
Classification: Uncertain significance for Primary ciliary dyskinesia 33. Last evaluated: 2022-08-10. Review status: criteria provided, single submitter. Criteria: Invitae Variant Classification Sherloc (09022015). Collection method: clinical testing. Allele origin: germline.
Comment: This sequence change replaces proline, which is neutral and non-polar, with leucine, which is neutral and non-polar, at codon 470 of the GAS8 protein (p.Pro470Leu). This variant is not present in population databases (gnomAD no frequency). This variant has not been reported in the literature in individuals affected with GAS8-related conditions. Algorithms developed to predict the effect of missense changes on protein structure and function are either unavailable or do not agree on the potential impact of this missense change (SIFT: "Deleterious"; PolyPhen-2: "Possibly Damaging"; Align-GVGD: "Class C0"). In summary, the available evidence is currently insufficient to determine the role of this variant in disease. Therefore, it has been classified as a Variant of Uncertain Significance.